The following is an entry in ClinVar:

ClinVar aggregate classification (germline): Uncertain significance. Review status: criteria provided, multiple submitters, no conflicts (2 of 4 stars). 2 submissions from 2 submitters: Uncertain significance (2). Last evaluated 2025-03-30.

Conditions:
Hereditary cancer-predisposing syndrome. Also called: Tumor predisposition; Hereditary neoplastic syndrome; Hereditary Cancer Syndrome; Neoplastic Syndromes, Hereditary. Identifiers: Orphanet 140162, MedGen C0027672, MeSH D009386, MONDO:0015356.

Submissions (2):

Labcorp Genetics (formerly Invitae), Labcorp
Classification: Uncertain significance. Last evaluated: 2025-03-30. Review status: criteria provided, single submitter. Criteria: Invitae Variant Classification Sherloc (09022015). Collection method: clinical testing. Allele origin: germline.
Comment: This sequence change replaces glycine, which is neutral and non-polar, with aspartic acid, which is acidic and polar, at codon 900 of the MSH3 protein (p.Gly900Asp). This variant is not present in population databases (gnomAD no frequency). This variant has not been reported in the literature in individuals affected with MSH3-related conditions. ClinVar contains an entry for this variant (Variation ID: 936728). An algorithm developed to predict the effect of missense changes on protein structure and function (PolyPhen-2) suggests that this variant is likely to be disruptive. In summary, the available evidence is currently insufficient to determine the role of this variant in disease. Therefore, it has been classified as a Variant of Uncertain Significance.

Ambry Genetics
Classification: Uncertain significance for Hereditary cancer-predisposing syndrome. Last evaluated: 2023-04-30. Review status: criteria provided, single submitter. Criteria: Ambry Variant Classification Scheme 2023. Collection method: clinical testing. Allele origin: germline.
Comment: The p.G900D variant (also known as c.2699G>A), located in coding exon 20 of the MSH3 gene, results from a G to A substitution at nucleotide position 2699. The glycine at codon 900 is replaced by aspartic acid, an amino acid with similar properties. This amino acid position is highly conserved in available vertebrate species. In addition, this alteration is predicted to be deleterious by in silico analysis. Since supporting evidence is limited at this time, the clinical significance of this alteration remains unclear.

NM_002439.5(MSH3):c.2699G>A (p.Gly900Asp)

Gene: MSH3 (mutS homolog 3; plus strand). Cytogenetic location: 5q14.1.
Variant type: single nucleotide variant.
Coding change: c.2699G>A on transcript NM_002439.5 (MANE Select); coding-DNA position 2699, G replaced by A.
Protein change: p.Gly900Asp; replaces glycine 900 with aspartic acid.
Molecular consequence: missense variant.
Genome position (GRCh38, 1-based): chr5:80,813,627, G>A. VCF-style: chr5-80813627-G-A. GRCh37 (hg19) VCF-style: chr5-80109446-G-A.
Other names: short protein forms G900D.
Identifiers: ClinVar variation 936728 (VCV000936728.12), dbSNP rs1745047211, ClinGen allele CA360273894.
Genomic context (GRCh38, chr5:80,813,627, plus strand): 5'-TCCTTTCTAATTTTCAGGAGGACTCAGAGAGAGTAATGATAATTACCGGACCAAACATGG[G>A]TGGAAAGAGCTCCTACATAAAACAAGTTGCATTGATTACCATCATGGCTCAGATTGGCTC-3'
Protein context (NP_002430.3, residues 890-910): RVMIITGPNM[Gly900Asp]GKSSYIKQVA